The following is an entry in ClinVar:

ClinVar aggregate classification (germline): Uncertain significance. Review status: criteria provided, multiple submitters, no conflicts (2 of 4 stars). 3 submissions from 3 submitters: Uncertain significance (3). Last evaluated 2025-10-08.

Conditions:
KIZ-related disorder. Also called: KIZ-related condition.

Allele frequency attached by ClinVar (database versions not stated): gnomAD exomes 0.00001 and 0.00004; ExAC 0.00006; gnomAD 0.00013 and 0.00015; TOPMed 0.00022.
gnomAD v4.1: 39 of 1,604,652 alleles (0.0024%); highest among the groups gnomAD compares: African/African-American, 0.045%; no homozygotes.

Submissions (3):

PreventionGenetics, part of Exact Sciences
Classification: Uncertain significance for KIZ-related condition. Last evaluated: 2025-10-08. Review status: criteria provided, single submitter. Criteria: ACMG Guidelines, 2015. Collection method: clinical testing. Allele origin: germline.
Comment: The KIZ c.1612G>A variant is predicted to result in the amino acid substitution p.Glu538Lys. To our knowledge, this variant has not been reported in the literature. This variant is reported in 0.058% of alleles in individuals of African descent in gnomAD. At this time, the clinical significance of this variant is uncertain due to the absence of conclusive functional and genetic evidence.

Labcorp Genetics (formerly Invitae), Labcorp
Classification: Uncertain significance. Last evaluated: 2025-09-08. Review status: criteria provided, single submitter. Criteria: Invitae Variant Classification Sherloc (09022015). Collection method: clinical testing. Allele origin: germline.
Comment: This sequence change replaces glutamic acid, which is acidic and polar, with lysine, which is basic and polar, at codon 538 of the KIZ protein (p.Glu538Lys). This variant also falls at the last nucleotide of exon 8, which is part of the consensus splice site for this exon. This variant is present in population databases (rs767359509, gnomAD 0.06%). This variant has not been reported in the literature in individuals affected with KIZ-related conditions. ClinVar contains an entry for this variant (Variation ID: 955594). Experimental studies and prediction algorithms are not available or were not evaluated, and the functional significance of this variant is currently unknown. Variants that disrupt the consensus splice site are a relatively common cause of aberrant splicing (PMID: 17576681, 9536098). Algorithms developed to predict the effect of sequence changes on RNA splicing suggest that this variant may disrupt the consensus splice site. In summary, the available evidence is currently insufficient to determine the role of this variant in disease. Therefore, it has been classified as a Variant of Uncertain Significance.

Blueprint Genetics
Classification: Uncertain significance. Last evaluated: 2021-09-08. Review status: criteria provided, single submitter. Criteria: ACMG Guidelines, 2015. Collection method: clinical testing. Allele origin: germline.

Literature cited by the submitters: PubMed 17576681 (cited by Labcorp Genetics (formerly Invitae), Labcorp); PubMed 9536098 (cited by Labcorp Genetics (formerly Invitae), Labcorp).

NM_018474.6(KIZ):c.1612G>A (p.Glu538Lys)

Genes: KIZ (kizuna centrosomal protein; plus strand), KIZ-AS1 (KIZ antisense RNA 1; minus strand). Cytogenetic location: 20p11.23.
Variant type: single nucleotide variant.
Coding change: c.1612G>A on transcript NM_018474.6 (MANE Select); coding-DNA position 1612, G replaced by A.
Protein change: p.Glu538Lys; replaces glutamic acid 538 with lysine.
Molecular consequence: missense variant.
Genome position (GRCh38, 1-based): chr20:21,214,700, G>A. VCF-style: chr20-21214700-G-A. GRCh37 (hg19) VCF-style: chr20-21195338-G-A.
Other names: c.1303G>A, p.Glu435Lys (NM_001163022.3); c.1213G>A, p.Glu405Lys (NM_001163023.3); c.1465G>A, p.Glu489Lys (NM_001276389.2); c.1558G>A, p.Glu520Lys (NM_001352434.2); c.1249G>A, p.Glu417Lys (NM_001352435.2); c.1270G>A, p.Glu424Lys (NM_001352436.2); c.1612G>A (NM_018474.5); short protein forms E405K, E435K, E538K, E417K, E489K, E424K, E520K.
Identifiers: ClinVar variation 955594 (VCV000955594.8), dbSNP rs767359509, ClinGen allele CA9784910.
Genomic context (GRCh38, chr20:21,214,700, plus strand): 5'-AGTGGAATAAAGGAAGCCAAACCTGCTGTATGGCTCAACAGTGTTCCTACAAGGGAACAA[G>A]GTAACTATTGTTAAAGTGTGTGTCCACAGCAAAAAGGCATTCAGGGTCATCATCATCTTT-3'
Protein context (NP_060944.3, residues 528-548): WLNSVPTREQ[Glu538Lys]VSSGCGDKSK